The following is an entry in ClinVar:

NM_000359.3(TGM1):c.792G>T (p.Arg264=)

Gene: TGM1 (transglutaminase 1; minus strand). Cytogenetic location: 14q12.
Variant type: single nucleotide variant.
Coding change: c.792G>T on transcript NM_000359.3 (MANE Select); coding-DNA position 792, G replaced by T.
Protein change: p.Arg264=; no amino-acid change (arginine 264 retained).
Molecular consequence: synonymous variant.
Genome position (GRCh38, 1-based): chr14:24,260,024, C>A on the plus strand (G>T on the coding strand, the complement: TGM1 is on the minus strand). VCF-style: chr14-24260024-C-A. GRCh37 (hg19) VCF-style: chr14-24729230-C-A.
Identifiers: ClinVar variation 1152622 (VCV001152622.32), dbSNP rs532184407, ClinGen allele CA257899550.

ClinVar aggregate classification (germline): Likely benign. Review status: criteria provided, multiple submitters, no conflicts (2 of 4 stars). 2 submissions from 2 submitters: Likely benign (2). Last evaluated 2024-01-25.

Allele frequency attached by ClinVar (database versions not stated): 1000 Genomes Project 30x 0.00031; gnomAD exomes below 0.00001 and 0.00002; gnomAD 0.00001; TOPMed 0.00002; 1000 Genomes Project 0.00020.
gnomAD v4.1: 29 of 1,614,196 alleles (0.0018%); highest among the groups gnomAD compares: Non-Finnish European, 0.0023%; no homozygotes.

Submissions (2):

Labcorp Genetics (formerly Invitae), Labcorp
Classification: Likely benign. Last evaluated: 2024-01-25. Review status: criteria provided, single submitter. Criteria: Invitae Variant Classification Sherloc (09022015). Collection method: clinical testing. Allele origin: germline.

CeGaT Center for Human Genetics Tuebingen
Classification: Likely benign. Last evaluated: 2022-12-01. Review status: criteria provided, single submitter. Criteria: CeGaT Center For Human Genetics Tuebingen Variant Classification Criteria Version 2. Collection method: clinical testing. Allele origin: germline. Affected: yes. Observed: 1 variant allele.
Comment: TGM1: BP4, BP7